The following is an entry in ClinVar:

ClinVar aggregate classification (germline): Uncertain significance (1 of 4 stars; one submission).

Conditions:
Inborn genetic diseases. Identifiers: MedGen C0950123, MeSH D030342.

Allele frequency attached by ClinVar (database versions not stated): TOPMed below 0.00001; gnomAD 0.00001.
gnomAD v4.1: 3 of 1,613,190 alleles (0.00019%); highest among the groups gnomAD compares: South Asian, 0.0011%; no homozygotes.

Submission:

Ambry Genetics
Classification: Uncertain significance for Inborn genetic diseases. Last evaluated: 2023-03-18. Review status: criteria provided, single submitter. Criteria: Ambry Variant Classification Scheme 2023. Collection method: clinical testing. Allele origin: germline.
Comment: The p.I1855V variant (also known as c.5563A>G), located in coding exon 38 of the LRRK2 gene, results from an A to G substitution at nucleotide position 5563. The isoleucine at codon 1855 is replaced by valine, an amino acid with highly similar properties. This amino acid position is conserved. In addition, this alteration is predicted to be tolerated by in silico analysis. Since supporting evidence is limited at this time, the clinical significance of this alteration remains unclear.

NM_198578.4(LRRK2):c.5563A>G (p.Ile1855Val)

Gene: LRRK2 (leucine rich repeat kinase 2; plus strand). Cytogenetic location: 12q12.
Variant type: single nucleotide variant.
Coding change: c.5563A>G on transcript NM_198578.4 (MANE Select); coding-DNA position 5563, A replaced by G.
Protein change: p.Ile1855Val; replaces isoleucine 1855 with valine.
Molecular consequence: missense variant.
Genome position (GRCh38, 1-based): chr12:40,323,213, A>G. VCF-style: chr12-40323213-A-G. GRCh37 (hg19) VCF-style: chr12-40717015-A-G.
Other names: short protein forms I1855V.
Identifiers: ClinVar variation 2567323 (VCV002567323.2), dbSNP rs1440395146, ClinGen allele CA384421060.